The following is an entry in ClinVar:

NM_033380.3(COL4A5):c.5047C>T (p.Arg1683Ter)

Gene: COL4A5 (collagen type IV alpha 5 chain; plus strand). Cytogenetic location: Xq22.3.
Variant type: single nucleotide variant.
Coding change: c.5047C>T on transcript NM_033380.3 (MANE Select); coding-DNA position 5047, C replaced by T.
Protein change: p.Arg1683Ter; replaces arginine 1683 with a stop codon.
Molecular consequence: nonsense.
Genome position (GRCh38, 1-based): chrX:108,696,349, C>T. VCF-style: chrX-108696349-C-T. GRCh37 (hg19) VCF-style: chrX-107939579-C-T.
Other names: p.(Arg1683*); c.5029C>T, p.Arg1677Ter (NM_000495.5); short protein forms R1677*, R1683*.
Identifiers: ClinVar variation 24786 (VCV000024786.15), dbSNP rs104886306, ClinGen allele CA259147.

ClinVar aggregate classification (germline): Pathogenic. Review status: criteria provided, multiple submitters, no conflicts (2 of 4 stars). 5 submissions from 5 submitters: Pathogenic (5). Last evaluated 2026-06-15.

Conditions:
X-linked Alport syndrome (ATS1). Also called: COL4A5-Related Nephropathy; NEPHROPATHY AND DEAFNESS, X-LINKED. Identifiers: Orphanet 63, Orphanet 88917, MedGen C4746986, MONDO:0010520, OMIM 301050.

Submissions (5):

Centre de Génétique Humaine, Institut de Pathologie Et de Génétique
Classification: Pathogenic for X-linked Alport syndrome. Last evaluated: 2026-06-15. Review status: criteria provided, single submitter. Criteria: ACMG Guidelines, 2015. Collection method: clinical testing. Allele origin: maternal, germline. Inheritance: X-linked dominant inheritance. Affected: yes. Observed: 2 variant alleles, 1 heterozygote, 1 hemizygote. Segregation with disease observed.
Comment: Nonsense variant predicted to result in protein truncation or nonsense mediated decay in a gene for which loss-of-function is a known mechanism of disease (PVS1).The NanoLuc reporter system in vitro confirmed that this variant resulted in the appearance of a premature stop codon and the absence of collagen chain trimerization, PMID: 41417821 (PS3). This variant is rare: absent in gnomAD v4.1.0 database (PM2). Described in patients with X-linked AS and in ClinVar as pathogenic (PP5).

3billion
Classification: Pathogenic for X-linked Alport syndrome. Last evaluated: 2026-01-19. Review status: criteria provided, single submitter. Criteria: ACMG Guidelines, 2015. Collection method: clinical testing. Allele origin: germline. Affected: yes.
Comment: The variant is not observed in the gnomAD v4.1.0 dataset. Predicted Consequence/Location: Stop-gained (nonsense): predicted to result in a loss or disruption of normal protein function through protein truncation. Multiple pathogenic variants are reported in the predicted truncated region. The variant has been reported at least twice as pathogenic with clinical assertions and evidence for the classification (ClinVar ID: VCV000024786 /PMID: 10094548 /3billion dataset). Therefore, this variant is classified as Pathogenic according to the recommendation of ACMG/AMP guideline.

Labcorp Genetics (formerly Invitae), Labcorp
Classification: Pathogenic. Last evaluated: 2025-01-23. Review status: criteria provided, single submitter. Criteria: Invitae Variant Classification Sherloc (09022015). Collection method: clinical testing. Allele origin: germline.
Comment: This sequence change creates a premature translational stop signal (p.Arg1677*) in the COL4A5 gene. While this is not anticipated to result in nonsense mediated decay, it is expected to disrupt the last 9 amino acid(s) of the COL4A5 protein. This variant is not present in population databases (gnomAD no frequency). This premature translational stop signal has been observed in individuals with Alport syndrome (PMID: 10094548, 12796257, 19728970, 19965530). ClinVar contains an entry for this variant (Variation ID: 24786). Algorithms developed to predict the effect of sequence changes on RNA splicing suggest that this variant may disrupt the consensus splice site. For these reasons, this variant has been classified as Pathogenic.

Fulgent Genetics
Classification: Pathogenic for X-linked Alport syndrome. Last evaluated: 2024-02-20. Review status: criteria provided, single submitter. Criteria: ACMG Guidelines, 2015. Collection method: clinical testing. Allele origin: germline.

Victorian Clinical Genetics Services, Murdoch Childrens Research Institute
Classification: Pathogenic for X-linked Alport syndrome. Last evaluated: 2021-05-06. Review status: criteria provided, single submitter. Criteria: ACMG Guidelines, 2015. Collection method: clinical testing. Allele origin: germline. Inheritance: X-linked dominant inheritance. Affected: yes.
Comment: Based on the classification scheme VCGS_Germline_v1.3.4, this variant is classified as Pathogenic. Following criteria are met: 0103 - Dominant negative, caused by missense variants mostly glycine substitutions that affect the conformation of the protein, and loss of function, caused by either protein truncating or missense variants, are known mechanisms of disease in this gene and are associated with Alport syndrome 1 (MIM#301050) (PMIDs: 24046192, 12028435). (I) 0110 - This gene is associated with X-linked dominant disease. (I) 0205 - Variant is predicted to result in a truncated protein (premature termination codon is NOT located at least 54 nucleotides upstream of the final exon-exon junction) with less than 1/3 of the protein sequence affected. (SP) 0253 - This variant is hemizygous. (I) 0301 - Variant is absent from gnomAD (both v2 and v3). (SP) 0600 - Variant results in the truncation of part of the annotated C4 domain (NCBI). (I) 0704 - Another truncating variant comparable to the one identified in this case has limited previous evidence for pathogenicity (ClinVar). (SP) 0801 - This variant has strong previous evidence of pathogenicity in unrelated individuals. This variant has been reported in multiple individuals with Alport syndrome, end stage renal disease and hearing loss (ClinVar, LOVD, ARUP, PMID: 9848783, PMID: 10094548, PMID: 27627812). (SP) 1002 - This variant has moderate functional evidence supporting abnormal protein function. Mutant protein from transfected HEK293 cells demonstrated an inability to form complexes with alpha-3 or -4 chains (PMID: 18083113). (I) Legend: (SP) - Supporting pathogenic, (I) - Information, (SB) - Supporting benign

Literature cited by the submitters: PubMed 10094548 (cited by 4 submitters); PubMed 12796257 (cited by Centre de Génétique Humaine, Institut de Pathologie Et de Génétique and Labcorp Genetics (formerly Invitae), Labcorp); PubMed 37225412 (cited by Centre de Génétique Humaine, Institut de Pathologie Et de Génétique); PubMed 38972501 (cited by Centre de Génétique Humaine, Institut de Pathologie Et de Génétique); PubMed 19728970 (cited by Labcorp Genetics (formerly Invitae), Labcorp); PubMed 19965530 (cited by Labcorp Genetics (formerly Invitae), Labcorp); PubMed 9848783 (cited by Victorian Clinical Genetics Services, Murdoch Childrens Research Institute); PubMed 12028435 (cited by Victorian Clinical Genetics Services, Murdoch Childrens Research Institute); PubMed 18083113 (cited by Victorian Clinical Genetics Services, Murdoch Childrens Research Institute); PubMed 24046192 (cited by Victorian Clinical Genetics Services, Murdoch Childrens Research Institute); PubMed 27627812 (cited by Victorian Clinical Genetics Services, Murdoch Childrens Research Institute).